The following is an entry in ClinVar:

NM_000492.4(CFTR):c.205C>A (p.Leu69Ile)

Gene: CFTR (CF transmembrane conductance regulator; plus strand). Cytogenetic location: 7q31.2.
Variant type: single nucleotide variant.
Coding change: c.205C>A on transcript NM_000492.4 (MANE Select); coding-DNA position 205, C replaced by A.
Protein change: p.Leu69Ile; replaces leucine 69 with isoleucine.
Molecular consequence: missense variant.
Genome position (GRCh38, 1-based): chr7:117,509,074, C>A. VCF-style: chr7-117509074-C-A. GRCh37 (hg19) VCF-style: chr7-117149128-C-A.
Other names: short protein forms L69I.
Identifiers: ClinVar variation 973864 (VCV000973864.3), dbSNP rs372421038, ClinGen allele CA164936980.

ClinVar aggregate classification (germline): Uncertain significance. Review status: criteria provided, multiple submitters, no conflicts (2 of 4 stars). 3 submissions from 3 submitters: Uncertain significance (3). Last evaluated 2023-10-11.

Conditions:
Cystic fibrosis (CF). Also called: MUCOVISCIDOSIS. Identifiers: Orphanet 586, MedGen C0010674, MONDO:0009061, OMIM 219700. Disease mechanism: loss of function.

Allele frequency attached by ClinVar (database versions not stated): gnomAD exomes below 0.00001; ESP Exome Variant Server 0.00008.
gnomAD v4.1: 1 of 1,613,058 alleles (0.000062%); highest among the groups gnomAD compares: Non-Finnish European, 0.000085%; no homozygotes.

Submissions (3):

Labcorp Genetics (formerly Invitae), Labcorp
Classification: Uncertain significance for Cystic fibrosis. Last evaluated: 2023-10-11. Review status: criteria provided, single submitter. Criteria: Invitae Variant Classification Sherloc (09022015). Collection method: clinical testing. Allele origin: germline.
Comment: This sequence change replaces leucine, which is neutral and non-polar, with isoleucine, which is neutral and non-polar, at codon 69 of the CFTR protein (p.Leu69Ile). This variant is not present in population databases (gnomAD no frequency). This variant has not been reported in the literature in individuals affected with CFTR-related conditions. ClinVar contains an entry for this variant (Variation ID: 973864). Advanced modeling of protein sequence and biophysical properties (such as structural, functional, and spatial information, amino acid conservation, physicochemical variation, residue mobility, and thermodynamic stability) performed at Invitae indicates that this missense variant is expected to disrupt CFTR protein function. In summary, the available evidence is currently insufficient to determine the role of this variant in disease. Therefore, it has been classified as a Variant of Uncertain Significance.

Blueprint Genetics
Classification: Uncertain significance. Last evaluated: 2020-03-20. Review status: criteria provided, single submitter. Criteria: ACMG Guidelines, 2015. Collection method: clinical testing. Allele origin: germline.

Johns Hopkins Genomics, Johns Hopkins University
Classification: Uncertain significance for Cystic fibrosis. Last evaluated: 2019-12-13. Review status: criteria provided, single submitter. Criteria: ACMG Guidelines, 2015. Collection method: clinical testing. Allele origin: germline.

Literature cited by the submitters: PubMed 25042876 (cited by Johns Hopkins Genomics, Johns Hopkins University).